The following is an entry in ClinVar:

NM_033380.3(COL4A5):c.780+1G>A

Gene: COL4A5 (collagen type IV alpha 5 chain; plus strand). Cytogenetic location: Xq22.3.
Variant type: single nucleotide variant.
Coding change: c.780+1G>A on transcript NM_033380.3 (MANE Select); the canonical splice donor site of the intron after coding-DNA position 780, G replaced by A.
Molecular consequence: splice donor variant.
Genome position (GRCh38, 1-based): chrX:108,578,384, G>A. VCF-style: chrX-108578384-G-A. GRCh37 (hg19) VCF-style: chrX-107821614-G-A.
Other names: c.780+1G>A (NM_000495.5).
Identifiers: ClinVar variation 2765752 (VCV002765752.4), dbSNP rs776513865, ClinGen allele CA413924659.

ClinVar aggregate classification (germline): Pathogenic/Likely pathogenic. Review status: criteria provided, multiple submitters, no conflicts (2 of 4 stars). 2 submissions from 2 submitters: Pathogenic (1); Likely pathogenic (1). Last evaluated 2026-01-21.

Conditions:
X-linked Alport syndrome (ATS1). Also called: COL4A5-Related Nephropathy; NEPHROPATHY AND DEAFNESS, X-LINKED. Identifiers: Orphanet 63, Orphanet 88917, MedGen C4746986, MONDO:0010520, OMIM 301050.

Submissions (2):

3billion
Classification: Pathogenic for X-linked Alport syndrome. Last evaluated: 2026-01-21. Review status: criteria provided, single submitter. Criteria: ACMG Guidelines, 2015. Collection method: clinical testing. Allele origin: germline. Affected: yes.
Comment: The variant is not observed in the gnomAD v4.1.0 dataset. Predicted Consequence/Location: Canonical splice site: predicted to alter splicing and result in a loss or disruption of normal protein function. Multiple pathogenic loss-of-function variants are reported downstream of the variant. In silico tools predict the variant to alter splicing and produce an abnormal transcript [SpliceAI: 0.99 (spliceogenicity >=0.2, non-spliceogenicity <0.1)]. The variant has been reported to be associated with COL4A5-related disorder (ClinVar ID: VCV002765752). Therefore, this variant is classified as Pathogenic according to the recommendation of ACMG/AMP guideline.

Labcorp Genetics (formerly Invitae), Labcorp
Classification: Likely pathogenic. Last evaluated: 2024-01-15. Review status: criteria provided, single submitter. Criteria: Invitae Variant Classification Sherloc (09022015). Collection method: clinical testing. Allele origin: germline.
Comment: This sequence change affects a donor splice site in intron 13 of the COL4A5 gene. It is expected to disrupt RNA splicing. Variants that disrupt the donor or acceptor splice site typically lead to a loss of protein function (PMID: 16199547), and loss-of-function variants in COL4A5 are known to be pathogenic (PMID: 9195222, 10752524, 14514738, 24854265, 26809805). This variant is not present in population databases (gnomAD no frequency). Disruption of this splice site has been observed in individual(s) with Alport syndrome (Invitae). Algorithms developed to predict the effect of sequence changes on RNA splicing suggest that this variant may disrupt the consensus splice site. In summary, the currently available evidence indicates that the variant is pathogenic, but additional data are needed to prove that conclusively. Therefore, this variant has been classified as Likely Pathogenic.

Literature cited by the submitters: PubMed 16199547 (cited by Labcorp Genetics (formerly Invitae), Labcorp); PubMed 9195222 (cited by Labcorp Genetics (formerly Invitae), Labcorp); PubMed 10752524 (cited by Labcorp Genetics (formerly Invitae), Labcorp); PubMed 14514738 (cited by Labcorp Genetics (formerly Invitae), Labcorp); PubMed 24854265 (cited by Labcorp Genetics (formerly Invitae), Labcorp); PubMed 26809805 (cited by Labcorp Genetics (formerly Invitae), Labcorp).